The following is an entry in ClinVar:

ClinVar aggregate classification (germline): Benign/Likely benign. Review status: criteria provided, multiple submitters, no conflicts (2 of 4 stars). 5 submissions from 5 submitters: Benign (2); Likely benign (2). 1 of the submissions does not count toward it. Last evaluated 2026-01-28.

Conditions:
Acyl-CoA oxidase deficiency. Also called: Pseudoneonatal adrenoleukodystrophy; Peroxisomal acyl-CoA oxidase deficiency; STRAIGHT-CHAIN ACYL-CoA OXIDASE DEFICIENCY. Identifiers: Orphanet 2971, MedGen C1849678, MONDO:0009919, OMIM 264470. Disease mechanism: loss of function.

Allele frequency attached by ClinVar (database versions not stated): gnomAD exomes 0.00057 and 0.00159; ExAC 0.00194; gnomAD 0.00535 and 0.00571; 1000 Genomes Project 0.00619; TOPMed 0.00637; 1000 Genomes Project 30x 0.00640; ESP Exome Variant Server 0.00753.
gnomAD v4.1: 1,689 of 1,614,148 alleles (0.1%); highest among the groups gnomAD compares: African/African-American, 1.9%; 12 homozygotes.

Submissions (10):

Labcorp Genetics (formerly Invitae), Labcorp
Classification: Benign for Acyl-CoA oxidase deficiency. Last evaluated: 2026-01-28. Review status: criteria provided, single submitter. Criteria: Invitae Variant Classification Sherloc (09022015). Collection method: clinical testing. Allele origin: germline.

Mayo Clinic Laboratories, Mayo Clinic
Classification: Likely benign. Last evaluated: 2025-02-14. Review status: criteria provided, single submitter. Criteria: ACMG Guidelines, 2015. Collection method: clinical testing. Allele origin: germline. Observed: 7 variant alleles.
Comment: BA1, BP4, BP7

Blueprint Genetics
Classification: Likely benign. Last evaluated: 2024-11-20. Review status: criteria provided, single submitter. Criteria: ACMG Guidelines, 2015. Collection method: clinical testing. Allele origin: germline.

Breakthrough Genomics
Classification: Benign. Review status: criteria provided, single submitter. Criteria: ACMG Guidelines, 2015. Collection method: not provided. Allele origin: germline. Inheritance: Autosomal recessive inheritance. Affected: yes.

Natera, Inc.
Classification: Benign for Peroxisomal acyl CoA oxidase deficiency. Last evaluated: 2020-09-16. Review status: no assertion criteria provided. Collection method: clinical testing. Allele origin: germline. Not counted in ClinVar's aggregate classification.

Dr. Peter K. Rogan Lab, Western University
No classification provided (evidence only). Condition: Clear cell carcinoma of kidney. Review status: no classification provided. Collection method: in vitro. Allele origin: not applicable. Functional consequence: skipped exon. Not counted in ClinVar's aggregate classification.

Dr. Peter K. Rogan Lab, Western University
No classification provided (evidence only). Condition: Sarcoma. Review status: no classification provided. Collection method: in vitro. Allele origin: not applicable. Functional consequence: skipped exon. Not counted in ClinVar's aggregate classification.

Dr. Peter K. Rogan Lab, Western University
No classification provided (evidence only). Condition: Thymoma. Review status: no classification provided. Collection method: in vitro. Allele origin: not applicable. Functional consequence: skipped exon. Not counted in ClinVar's aggregate classification.

Dr. Peter K. Rogan Lab, Western University
No classification provided (evidence only). Condition: Gastric cancer. Review status: no classification provided. Collection method: in vitro. Allele origin: not applicable. Functional consequence: retained intron. Not counted in ClinVar's aggregate classification.

Dr. Peter K. Rogan Lab, Western University
No classification provided (evidence only). Condition: Gastric cancer. Review status: no classification provided. Collection method: in vitro. Allele origin: not applicable. Functional consequence: retained intron. Not counted in ClinVar's aggregate classification.

NM_004035.7(ACOX1):c.1794G>T (p.Leu598=)

Gene: ACOX1 (acyl-CoA oxidase 1; minus strand). Cytogenetic location: 17q25.1.
Variant type: single nucleotide variant.
Coding change: c.1794G>T on transcript NM_004035.7 (MANE Select); coding-DNA position 1794, G replaced by T.
Protein change: p.Leu598=; no amino-acid change (leucine 598 retained).
Molecular consequence: synonymous variant.
Genome position (GRCh38, 1-based): chr17:75,948,392, C>A on the plus strand (G>T on the coding strand, the complement: ACOX1 is on the minus strand). VCF-style: chr17-75948392-C-A. GRCh37 (hg19) VCF-style: chr17-73944473-C-A.
Other names: p.Leu598=; c.1680G>T, p.Leu560= (NM_001185039.2); c.1794G>T, p.Leu598= (NM_007292.6).
Identifiers: ClinVar variation 779669 (VCV000779669.16), dbSNP rs79605652, ClinGen allele CA8776654.
Genomic context (GRCh38, chr17:75,948,392, plus strand): 5'-GCCAAGTGTCACATCCTGAAAATCAAATGCATCAACCAAAGCAACAGCATCTGAGCGAAT[C>A]AGAGTGAGTAACTCCTTTACACGCTGGTTTACTTGTGTAATCTGAGGCTCTGTCATGATG-3'
Protein context (NP_004026.2, residues 588-608): VNQRVKELLT[Leu598=]IRSDAVALVD